The following is an entry in ClinVar:

ClinVar aggregate classification (germline): Benign. Review status: criteria provided, multiple submitters, no conflicts (2 of 4 stars). 12 submissions from 12 submitters: Benign (8). 4 of the submissions do not count toward it. Last evaluated 2026-02-04.

Conditions:
Cardiovascular phenotype. Identifiers: MedGen CN230736.
Early onset severe obesity. Identifiers: MedGen C4013980.
Alstrom syndrome (ALMS). Identifiers: Orphanet 64, MedGen C0268425, MONDO:0008763, OMIM 203800.

Allele frequency attached by ClinVar (database versions not stated): gnomAD exomes 0.24216 and 0.26319; ExAC 0.26613; 1000 Genomes Project 0.35823; 1000 Genomes Project 30x 0.37570; gnomAD 0.38352 and 0.39950; ESP Exome Variant Server 0.39136; TOPMed 0.40999.
gnomAD v4.1: 412,339 of 1,613,888 alleles (26%); highest among the groups gnomAD compares: African/African-American, 76%; 65,469 homozygotes.

Submissions (13):

Labcorp Genetics (formerly Invitae), Labcorp
Classification: Benign for Alstrom syndrome. Last evaluated: 2026-02-04. Review status: criteria provided, single submitter. Criteria: Invitae Variant Classification Sherloc (09022015). Collection method: clinical testing. Allele origin: germline.

Blueprint Genetics
Classification: Benign. Last evaluated: 2024-11-26. Review status: criteria provided, single submitter. Criteria: ACMG Guidelines, 2015. Collection method: clinical testing. Allele origin: germline.

Cambridge Genomics Laboratory, East Genomic Laboratory Hub, NHS Genomic Medicine Service
Classification: Benign for Severe early-onset obesity. Last evaluated: 2023-08-09. Review status: criteria provided, single submitter. Criteria: ACGS Best Practice Guidelines for Variant Classification in Rare Disease 2020. Collection method: clinical testing. Allele origin: germline. Affected: yes.
Comment: The p.(Asn2857Ser) variant is observed in 11.881/15.424 (77.0293%) alleles from individuals of gnomAD African background in gnomAD All. The p.(Asn2857Ser) variant is observed in 1.794/5.008 (35.8227%) alleles from individuals of 1kG All background in 1kG All. The p.(Asn2857Ser) variant is observed in 31.231/41.372 (75.4883%) alleles from individuals of gnomAD Genomes v3 African background in gnomAD Genomes v3, indicating it is a common benign variant. (BA1 - Standalone)

Genome-Nilou Lab
Classification: Benign for Alstrom syndrome. Last evaluated: 2021-07-14. Review status: criteria provided, single submitter. Criteria: ACMG Guidelines, 2015. Collection method: clinical testing. Allele origin: germline. Affected: no.

Ambry Genetics
Classification: Benign for Cardiovascular phenotype. Last evaluated: 2018-12-21. Review status: criteria provided, single submitter. Criteria: Ambry Variant Classification Scheme 2023. Collection method: clinical testing. Allele origin: germline.

GeneDx
Classification: Benign. Last evaluated: 2016-09-09. Review status: criteria provided, single submitter. Criteria: GeneDx Variant Classification (06012015). Collection method: clinical testing. Allele origin: germline. Affected: yes.
Comment: This variant is considered likely benign or benign based on one or more of the following criteria: it is a conservative change, it occurs at a poorly conserved position in the protein, it is predicted to be benign by multiple in silico algorithms, and/or has population frequency not consistent with disease.

Laboratory for Molecular Medicine, Mass General Brigham Personalized Medicine
Classification: Benign. Last evaluated: 2016-03-21. Review status: criteria provided, single submitter. Criteria: LMM Criteria. Collection method: clinical testing. Allele origin: germline. Observed: 147 variant alleles.
Comment: p.Asn2856Ser in exon 10 of ALMS1: This variant is not expected to have clinical significance because it has been identified in 85.78% (1134/1322) of African chr omosomes by the 1000 Genomes Project (Phase 3; dbSNP rs10193972).

Breakthrough Genomics
Classification: Benign. Review status: criteria provided, single submitter. Criteria: ACMG Guidelines, 2015. Collection method: not provided. Allele origin: germline. Inheritance: Autosomal recessive inheritance. Affected: yes.

Natera, Inc.
Classification: Benign for Alstrom syndrome. Last evaluated: 2020-09-16. Review status: no assertion criteria provided. Collection method: clinical testing. Allele origin: germline. Not counted in ClinVar's aggregate classification.

Clinical Genetics, Academic Medical Center
Classification: Benign. Review status: no assertion criteria provided. Collection method: clinical testing. Allele origin: germline. Affected: yes. Study: VKGL Data-share Consensus. Not counted in ClinVar's aggregate classification.

Diagnostic Laboratory, Department of Genetics, University Medical Center Groningen
Classification: Benign. Review status: no assertion criteria provided. Collection method: clinical testing. Allele origin: germline. Affected: yes. Study: VKGL Data-share Consensus. Not counted in ClinVar's aggregate classification.

Dr. Peter K. Rogan Lab, Western University
No classification provided (evidence only). Condition: Germ cell tumor of testis. Review status: no classification provided. Collection method: in vitro. Allele origin: not applicable. Functional consequence: skipped exon. Not counted in ClinVar's aggregate classification.

Joint Genome Diagnostic Labs from Nijmegen and Maastricht, Radboudumc and MUMC+
Classification: Benign. Review status: no assertion criteria provided. Collection method: clinical testing. Allele origin: germline. Affected: yes. Study: VKGL Data-share Consensus. Not counted in ClinVar's aggregate classification.

NM_001378454.1(ALMS1):c.8570A>G (p.Asn2857Ser)

Gene: ALMS1 (ALMS1 centrosome and basal body associated protein; plus strand). Cytogenetic location: 2p13.1.
Variant type: single nucleotide variant.
Coding change: c.8570A>G on transcript NM_001378454.1 (MANE Select); coding-DNA position 8570, A replaced by G.
Protein change: p.Asn2857Ser; replaces asparagine 2857 with serine.
Molecular consequence: missense variant.
Genome position (GRCh38, 1-based): chr2:73,490,529, A>G. VCF-style: chr2-73490529-A-G. GRCh37 (hg19) VCF-style: chr2-73717656-A-G.
Other names: c.8573A>G, p.Asn2858Ser (NM_015120.4); short protein forms N2858S, N2857S.
Identifiers: ClinVar variation 383762 (VCV000383762.32), dbSNP rs10193972, ClinGen allele CA1714492.